The following is an entry in ClinVar:

NM_000287.4(PEX6):c.1036C>A (p.Gln346Lys)

Gene: PEX6 (peroxisomal biogenesis factor 6; minus strand). Cytogenetic location: 6p21.1.
Variant type: single nucleotide variant.
Coding change: c.1036C>A on transcript NM_000287.4 (MANE Select); coding-DNA position 1036, C replaced by A.
Protein change: p.Gln346Lys; replaces glutamine 346 with lysine.
Molecular consequence: missense variant. On other transcripts: non-coding transcript variant (1).
Genome position (GRCh38, 1-based): chr6:42,974,885, G>T on the plus strand (C>A on the coding strand, the complement: PEX6 is on the minus strand). VCF-style: chr6-42974885-G-T. GRCh37 (hg19) VCF-style: chr6-42942623-G-T.
Other names: c.772C>A, p.Gln258Lys (NM_001316313.2); short protein forms Q258K, Q346K.
Identifiers: ClinVar variation 2108638 (VCV002108638.4), dbSNP rs2481257723, ClinGen allele CA364159380.
Genomic context (GRCh38, chr6:42,974,885, plus strand): 5'-AATGTAATGAGGGTGAGAAGCTATCCTCCTTAAAAGGTTAGGTAGCTAACCTGGGTATCT[G>T]AAAGTGCCGGTAAAGAACACCGTCATAATTTCCATTAGTGCTGTAGTGGGGAGAAGACAC-3'
Protein context (NP_000278.3, residues 336-356): NYDGVLYRHF[Gln346Lys]IPRVVQEGDV

ClinVar aggregate classification (germline): Uncertain significance (1 of 4 stars; one submission).

Conditions:
Peroxisome biogenesis disorder. Identifiers: Orphanet 79189, MedGen C1832200, MONDO:0019234. Disease mechanism: loss of function.

Submission:

Labcorp Genetics (formerly Invitae), Labcorp
Classification: Uncertain significance for Peroxisome biogenesis disorder. Last evaluated: 2022-03-10. Review status: criteria provided, single submitter. Criteria: Invitae Variant Classification Sherloc (09022015). Collection method: clinical testing. Allele origin: germline.
Comment: This sequence change replaces glutamine, which is neutral and polar, with lysine, which is basic and polar, at codon 346 of the PEX6 protein (p.Gln346Lys). This variant is not present in population databases (gnomAD no frequency). This variant has not been reported in the literature in individuals affected with PEX6-related conditions. Algorithms developed to predict the effect of missense changes on protein structure and function (SIFT, PolyPhen-2, Align-GVGD) all suggest that this variant is likely to be tolerated. In summary, the available evidence is currently insufficient to determine the role of this variant in disease. Therefore, it has been classified as a Variant of Uncertain Significance.